The following is an entry in ClinVar:

NM_004281.4(BAG3):c.795G>A (p.Pro265=)

Gene: BAG3 (BAG cochaperone 3; plus strand). Cytogenetic location: 10q26.11.
Variant type: single nucleotide variant.
Coding change: c.795G>A on transcript NM_004281.4 (MANE Select); coding-DNA position 795, G replaced by A.
Protein change: p.Pro265=; no amino-acid change (proline 265 retained).
Molecular consequence: synonymous variant.
Genome position (GRCh38, 1-based): chr10:119,672,542, G>A. VCF-style: chr10-119672542-G-A. GRCh37 (hg19) VCF-style: chr10-121432054-G-A.
Identifiers: ClinVar variation 518996 (VCV000518996.35), dbSNP rs180736121, ClinGen allele CA5716414.
Genomic context (GRCh38, chr10:119,672,542, plus strand): 5'-TGTGTACCACAAGATCCAGGGGGATGACTGGGAGCCCCGGCCCCTGCGGGCGGCATCCCC[G>A]TTCAGGTCATCTGTCCAGGGTGCATCGAGCCGGGAGGGCTCACCAGCCAGGAGCAGCACG-3'
Protein context (NP_004272.2, residues 255-275): WEPRPLRAAS[Pro265=]FRSSVQGASS

ClinVar aggregate classification (germline): Likely benign. Review status: criteria provided, multiple submitters, no conflicts (2 of 4 stars). 4 submissions from 4 submitters: Likely benign (4). Last evaluated 2025-07-01.

Conditions:
Cardiovascular phenotype. Identifiers: MedGen CN230736.
Myofibrillar myopathy 6. Identifiers: Orphanet 199340, MedGen C2751831, MONDO:0013061, OMIM 612954.
Dilated cardiomyopathy 1HH (CMD1HH). Identifiers: Orphanet 154, MedGen C3151293, MONDO:0013479, OMIM 613881.

Allele frequency attached by ClinVar (database versions not stated): ExAC 0.00002; gnomAD exomes 0.00002; gnomAD 0.00004 and 0.00005; TOPMed 0.00005; ESP Exome Variant Server 0.00008; 1000 Genomes Project 30x 0.00016; 1000 Genomes Project 0.00020.
gnomAD v4.1: 30 of 1,613,928 alleles (0.0019%); highest among the groups gnomAD compares: African/African-American, 0.011%; no homozygotes.

Submissions (4):

Labcorp Genetics (formerly Invitae), Labcorp
Classification: Likely benign for Dilated cardiomyopathy 1HH; Myofibrillar myopathy 6. Last evaluated: 2025-07-01. Review status: criteria provided, single submitter. Criteria: Invitae Variant Classification Sherloc (09022015). Collection method: clinical testing. Allele origin: germline.

CeGaT Center for Human Genetics Tuebingen
Classification: Likely benign. Last evaluated: 2024-06-01. Review status: criteria provided, single submitter. Criteria: CeGaT Center For Human Genetics Tuebingen Variant Classification Criteria Version 2. Collection method: clinical testing. Allele origin: germline. Affected: yes. Observed: 1 variant allele.
Comment: BAG3: BP4, BP7

Blueprint Genetics
Classification: Likely benign. Last evaluated: 2019-08-13. Review status: criteria provided, single submitter. Criteria: ACMG Guidelines, 2015. Collection method: clinical testing. Allele origin: germline.

Ambry Genetics
Classification: Likely benign for Cardiovascular phenotype. Last evaluated: 2017-04-28. Review status: criteria provided, single submitter. Criteria: Ambry Variant Classification Scheme 2023. Collection method: clinical testing. Allele origin: germline.